The following is an entry in ClinVar:

NM_016373.4(WWOX):c.1228G>T (p.Gly410Cys)

Genes: MAF (MAF bZIP transcription factor; minus strand), WWOX (WW domain containing oxidoreductase; plus strand). Cytogenetic location: 16q23.2.
Variant type: single nucleotide variant.
Coding change: c.1228G>T on transcript NM_016373.4 (MANE Select); coding-DNA position 1228, G replaced by T.
Protein change: p.Gly410Cys; replaces glycine 410 with cysteine.
Molecular consequence: missense variant.
Genome position (GRCh38, 1-based): chr16:79,211,779, G>T. VCF-style: chr16-79211779-G-T. GRCh37 (hg19) VCF-style: chr16-79245676-G-T.
Other names: c.889G>T, p.Gly297Cys (NM_001291997.2); short protein forms G410C, G297C.
Identifiers: ClinVar variation 506528 (VCV000506528.48), dbSNP rs76204496, ClinGen allele CA8183802.

ClinVar aggregate classification (germline): Conflicting classifications of pathogenicity. Review status: criteria provided, conflicting classifications (1 of 4 stars). 6 submissions from 6 submitters: Uncertain significance (1); Benign (1); Likely benign (3). 1 of the submissions does not count toward it. Last evaluated 2026-08-01.

Conditions:
Autosomal recessive spinocerebellar ataxia 12. Also called: SPINOCEREBELLAR ATAXIA WITH MENTAL RETARDATION AND EPILEPSY. Identifiers: Orphanet 284282, MedGen C3280452, MONDO:0013687, OMIM 614322.
Developmental and epileptic encephalopathy, 1 (DEE1). Also called: X-linked infantile spasms; West's syndrome; Tonic spasms with clustering, arrest of psychomotor development and hypsarrhythmia on EEG; X-Linked Infantile Spasm Syndrome; INFANTILE SPASM SYNDROME, X-LINKED 1; OHTAHARA SYNDROME, X-LINKED. Identifiers: MedGen C3463992, MONDO:0010632, OMIM 308350. Disease mechanism: loss of function.
WWOX-related disorder. Also called: WWOX-related condition.

Allele frequency attached by ClinVar (database versions not stated): gnomAD 0.00009 and 0.00012; TOPMed 0.00010; gnomAD exomes 0.00052; ExAC 0.00056; 1000 Genomes Project 30x 0.00062.
gnomAD v4.1: 450 of 1,613,942 alleles (0.028%); highest among the groups gnomAD compares: Middle Eastern, 0.4%; 5 homozygotes.

Submissions (6):

CeGaT Center for Human Genetics Tuebingen
Classification: Likely benign. Last evaluated: 2026-08-01. Review status: criteria provided, single submitter. Criteria: CeGaT Center For Human Genetics Tuebingen Variant Classification Criteria Version 2. Collection method: clinical testing. Allele origin: germline. Affected: yes. Observed: 9 variant alleles.
Comment: WWOX: BP4, BS2

Labcorp Genetics (formerly Invitae), Labcorp
Classification: Benign for Developmental and epileptic encephalopathy, 1; Autosomal recessive spinocerebellar ataxia 12. Last evaluated: 2026-01-09. Review status: criteria provided, single submitter. Criteria: Invitae Variant Classification Sherloc (09022015). Collection method: clinical testing. Allele origin: germline.

Blueprint Genetics
Classification: Likely benign. Last evaluated: 2024-09-30. Review status: criteria provided, single submitter. Criteria: ACMG Guidelines, 2015. Collection method: clinical testing. Allele origin: germline.

GeneDx
Classification: Likely benign. Last evaluated: 2021-04-29. Review status: criteria provided, single submitter. Criteria: GeneDx Variant Classification Process June 2021. Collection method: clinical testing. Allele origin: germline. Affected: yes.
Comment: This variant is associated with the following publications: (PMID: 27121845)

Genetic Services Laboratory, University of Chicago
Classification: Uncertain significance. Last evaluated: 2017-10-29. Review status: criteria provided, single submitter. Criteria: ACMG Guidelines, 2015. Collection method: clinical testing. Allele origin: germline. Affected: no.

PreventionGenetics, part of Exact Sciences
Classification: Likely benign for WWOX-related condition. Last evaluated: 2024-07-15. Review status: no assertion criteria provided. Collection method: clinical testing. Allele origin: germline. Not counted in ClinVar's aggregate classification.
Comment: This variant is classified as likely benign based on ACMG/AMP sequence variant interpretation guidelines (Richards et al. 2015 PMID: 25741868, with internal and published modifications).